The following is an entry in ClinVar:

NM_001399.5(EDA):c.440C>G (p.Ser147Cys)

Gene: EDA (ectodysplasin A; plus strand). Cytogenetic location: Xq13.1.
Variant type: single nucleotide variant.
Coding change: c.440C>G on transcript NM_001399.5 (MANE Select); coding-DNA position 440, C replaced by G.
Protein change: p.Ser147Cys; replaces serine 147 with cysteine.
Molecular consequence: missense variant.
Genome position (GRCh38, 1-based): chrX:69,957,070, C>G. VCF-style: chrX-69957070-C-G. GRCh37 (hg19) VCF-style: chrX-69176920-C-G.
Other names: c.440C>G, p.Ser147Cys (NM_001005609.2, NM_001005612.3); short protein forms S147C.
Identifiers: ClinVar variation 1465131 (VCV001465131.7), dbSNP rs2147419080, ClinGen allele CA413447913.

ClinVar aggregate classification (germline): Conflicting classifications of pathogenicity. Review status: criteria provided, conflicting classifications (1 of 4 stars). 2 submissions from 2 submitters: Likely pathogenic (1); Uncertain significance (1). Last evaluated 2022-08-31.

Conditions:
EDA-related disorder. Also called: EDA-related disorders; EDA-related condition.
Hypohidrotic X-linked ectodermal dysplasia (XHED). Also called: Christ-Siemans-Touraine syndrome; ECTODERMAL DYSPLASIA, HYPOHIDROTIC, 1; CST SYNDROME; Ectodermal Dysplasia 1, Anhidrotic; ECTODERMAL DYSPLASIA 1, HYPOHIDROTIC/HAIR/TOOTH TYPE, X-LINKED; ECTODERMAL DYSPLASIA 1. Identifiers: Orphanet 181, Orphanet 238468, MedGen C0162359, MONDO:0010585, OMIM 305100.

Submissions (2):

Labcorp Genetics (formerly Invitae), Labcorp
Classification: Uncertain significance for Hypohidrotic X-linked ectodermal dysplasia. Last evaluated: 2022-08-31. Review status: criteria provided, single submitter. Criteria: Invitae Variant Classification Sherloc (09022015). Collection method: clinical testing. Allele origin: germline.
Comment: In summary, the available evidence is currently insufficient to determine the role of this variant in disease. Therefore, it has been classified as a Variant of Uncertain Significance. Algorithms developed to predict the effect of missense changes on protein structure and function are either unavailable or do not agree on the potential impact of this missense change (SIFT: "Tolerated"; PolyPhen-2: "Not Available"; Align-GVGD: "Class C0"). ClinVar contains an entry for this variant (Variation ID: 1465131). This missense change has been observed in individual(s) with clinical features of ectodermal dysplasia (Invitae). This variant is not present in population databases (gnomAD no frequency). This sequence change replaces serine, which is neutral and polar, with cysteine, which is neutral and slightly polar, at codon 147 of the EDA protein (p.Ser147Cys).

Blueprint Genetics
Classification: Likely pathogenic for EDA-related disorders. Last evaluated: 2019-09-18. Review status: criteria provided, single submitter. Criteria: ACMG Guidelines, 2015. Collection method: clinical testing. Allele origin: germline. Affected: yes. Observed: 2 variant alleles.